The following is an entry in ClinVar:

NM_004482.4(GALNT3):c.734T>C (p.Ile245Thr)

Gene: GALNT3 (polypeptide N-acetylgalactosaminyltransferase 3; minus strand). Cytogenetic location: 2q24.3.
Variant type: single nucleotide variant.
Coding change: c.734T>C on transcript NM_004482.4 (MANE Select); coding-DNA position 734, T replaced by C.
Protein change: p.Ile245Thr; replaces isoleucine 245 with threonine.
Molecular consequence: missense variant.
Genome position (GRCh38, 1-based): chr2:165,762,009, A>G on the plus strand (T>C on the coding strand, the complement: GALNT3 is on the minus strand). VCF-style: chr2-165762009-A-G. GRCh37 (hg19) VCF-style: chr2-166618519-A-G.
Other names: short protein forms I245T.
Identifiers: ClinVar variation 1714926 (VCV001714926.4), dbSNP rs766704216, ClinGen allele CA1941136.

ClinVar aggregate classification (germline): Uncertain significance. Review status: criteria provided, multiple submitters, no conflicts (2 of 4 stars). 2 submissions from 2 submitters: Uncertain significance (2). Last evaluated 2024-04-22.

Conditions:
Tumoral calcinosis, hyperphosphatemic, familial, 1. Also called: CALCINOSIS, TUMORAL, WITH HYPERPHOSPHATEMIA; LIPOCALCINOGRANULOMATOSIS; MORBUS TEUTSCHLAENDER; TEUTSCHLAENDER DISEASE, FAMILIAL; TUMORAL CALCINOSIS, PRIMARY HYPERPHOSPHATEMIC; HYPEROSTOSIS WITH HYPERPHOSPHATEMIA. Identifiers: Orphanet 53715, MedGen C4692564, MONDO:0100252, OMIM 211900.

Allele frequency attached by ClinVar (database versions not stated): gnomAD exomes 0.00002; ExAC 0.00004.
gnomAD v4.1: 12 of 1,603,602 alleles (0.00075%); highest among the groups gnomAD compares: Non-Finnish European, 0.00094%; no homozygotes.

Submissions (2):

Fulgent Genetics
Classification: Uncertain significance for Tumoral calcinosis, hyperphosphatemic, familial, 1. Last evaluated: 2024-04-22. Review status: criteria provided, single submitter. Criteria: ACMG Guidelines, 2015. Collection method: clinical testing. Allele origin: germline.

Labcorp Genetics (formerly Invitae), Labcorp
Classification: Uncertain significance. Last evaluated: 2022-08-28. Review status: criteria provided, single submitter. Criteria: Invitae Variant Classification Sherloc (09022015). Collection method: clinical testing. Allele origin: germline.
Comment: This sequence change replaces isoleucine, which is neutral and non-polar, with threonine, which is neutral and polar, at codon 245 of the GALNT3 protein (p.Ile245Thr). This variant is present in population databases (rs766704216, gnomAD 0.006%). This variant has not been reported in the literature in individuals affected with GALNT3-related conditions. Algorithms developed to predict the effect of missense changes on protein structure and function (SIFT, PolyPhen-2, Align-GVGD) all suggest that this variant is likely to be tolerated. In summary, the available evidence is currently insufficient to determine the role of this variant in disease. Therefore, it has been classified as a Variant of Uncertain Significance.